The following is an entry in ClinVar:

NM_006950.3(SYN1):c.473A>G (p.Asn158Ser)

Gene: SYN1 (synapsin I; minus strand). Cytogenetic location: Xp11.23.
Variant type: single nucleotide variant.
Coding change: c.473A>G on transcript NM_006950.3 (MANE Select); coding-DNA position 473, A replaced by G.
Protein change: p.Asn158Ser; replaces asparagine 158 with serine.
Molecular consequence: missense variant.
Genome position (GRCh38, 1-based): chrX:47,606,999, T>C on the plus strand (A>G on the coding strand, the complement: SYN1 is on the minus strand). VCF-style: chrX-47606999-T-C. GRCh37 (hg19) VCF-style: chrX-47466398-T-C.
Other names: c.473A>G, p.Asn158Ser (NM_133499.2); short protein forms N158S.
Identifiers: ClinVar variation 465098 (VCV000465098.11), dbSNP rs765486966, ClinGen allele CA10398729.
Genomic context (GRCh38, chrX:47,606,999, plus strand): 5'-ACTCACCGCACGACCTTCACCCCATTCCGAAGAACTTCCATATCCACAGAGAATCCACCA[T>C]TGGCATGGGCCACAAGGTTGAGATCAGAGAATTCGGCCTGGGAAGGAGAAAAAAACTGGT-3'
Protein context (NP_008881.2, residues 148-168): FSDLNLVAHA[Asn158Ser]GGFSVDMEVL

ClinVar aggregate classification (germline): Uncertain significance (1 of 4 stars; one submission).

Conditions:
Epilepsy, X-linked 1, with variable learning disabilities and behavior disorders. Also called: X-linked epilepsy-learning disabilities-behavior disorders syndrome. Identifiers: Orphanet 85294, MedGen C5774177, MONDO:0010339, OMIM 300491.

Allele frequency attached by ClinVar (database versions not stated): gnomAD exomes 0.00001 and 0.00004; gnomAD 0.00002; ExAC 0.00004; TOPMed 0.00004.

Submission:

Labcorp Genetics (formerly Invitae), Labcorp
Classification: Uncertain significance for Epilepsy, X-linked 1, with variable learning disabilities and behavior disorders. Last evaluated: 2024-07-04. Review status: criteria provided, single submitter. Criteria: Invitae Variant Classification Sherloc (09022015). Collection method: clinical testing. Allele origin: germline.
Comment: This sequence change replaces asparagine, which is neutral and polar, with serine, which is neutral and polar, at codon 158 of the SYN1 protein (p.Asn158Ser). This variant is present in population databases (rs765486966, gnomAD 0.02%). This variant has not been reported in the literature in individuals affected with SYN1-related conditions. ClinVar contains an entry for this variant (Variation ID: 465098). An algorithm developed to predict the effect of missense changes on protein structure and function (PolyPhen-2) suggests that this variant is likely to be tolerated. In summary, the available evidence is currently insufficient to determine the role of this variant in disease. Therefore, it has been classified as a Variant of Uncertain Significance.